The following is an entry in ClinVar:

NM_001353788.2(APBA2):c.164G>A (p.Ser55Asn)

Gene: APBA2 (amyloid beta precursor protein binding family A member 2; plus strand). Cytogenetic location: 15q13.1.
Variant type: single nucleotide variant.
Coding change: c.164G>A on transcript NM_001353788.2 (MANE Select); coding-DNA position 164, G replaced by A.
Protein change: p.Ser55Asn; replaces serine 55 with asparagine.
Molecular consequence: missense variant.
Genome position (GRCh38, 1-based): chr15:29,054,048, G>A. VCF-style: chr15-29054048-G-A. GRCh37 (hg19) VCF-style: chr15-29346251-G-A.
Other names: c.164G>A, p.Ser55Asn (NM_001130414.1, NM_001353789.2, NM_001353790.2 and 6 more transcripts); short protein forms S55N.
Identifiers: ClinVar variation 715589 (VCV000715589.29), dbSNP rs142678624, ClinGen allele CA7445041.

ClinVar aggregate classification (germline): Likely benign. Review status: criteria provided, multiple submitters, no conflicts (2 of 4 stars). 4 submissions from 4 submitters: Likely benign (3). 1 of the submissions does not count toward it. Last evaluated 2022-05-01.

Conditions:
APBA2-related disorder. Also called: APBA2-related condition.

Allele frequency attached by ClinVar (database versions not stated): 1000 Genomes Project 0.00280; 1000 Genomes Project 30x 0.00297; ESP Exome Variant Server 0.00384; TOPMed 0.00447; gnomAD 0.00496 and 0.00499; ExAC 0.00586.
gnomAD v4.1: 9,321 of 1,613,828 alleles (0.58%); highest among the groups gnomAD compares: Non-Finnish European, 0.65%; 58 homozygotes.

Submissions (4):

CeGaT Center for Human Genetics Tuebingen
Classification: Likely benign. Last evaluated: 2022-05-01. Review status: criteria provided, single submitter. Criteria: CeGaT Center For Human Genetics Tuebingen Variant Classification Criteria Version 2. Collection method: clinical testing. Allele origin: germline. Affected: yes. Observed: 1 variant allele.
Comment: APBA2: BP4, BS2

Labcorp Genetics (formerly Invitae), Labcorp
Classification: Likely benign. Last evaluated: 2018-05-31. Review status: criteria provided, single submitter. Criteria: Invitae Variant Classification Sherloc (09022015). Collection method: clinical testing. Allele origin: germline.

Breakthrough Genomics
Classification: Likely benign. Review status: criteria provided, single submitter. Criteria: ACMG Guidelines, 2015. Collection method: not provided. Allele origin: germline. Inheritance: Unknown mechanism. Affected: yes.

PreventionGenetics, part of Exact Sciences
Classification: Benign for APBA2-related condition. Last evaluated: 2019-06-11. Review status: no assertion criteria provided. Collection method: clinical testing. Allele origin: germline. Not counted in ClinVar's aggregate classification.
Comment: This variant is classified as benign based on ACMG/AMP sequence variant interpretation guidelines (Richards et al. 2015 PMID: 25741868, with internal and published modifications).